The following is an entry in ClinVar:

ClinVar aggregate classification (germline): Pathogenic. Review status: criteria provided, multiple submitters, no conflicts (2 of 4 stars). 2 submissions from 2 submitters: Pathogenic (2). Last evaluated 2025-01-09.

Conditions:
Waardenburg syndrome type 2A (WS2A). Also called: WAARDENBURG SYNDROME WITHOUT DYSTOPIA CANTHORUM. Identifiers: Orphanet 3440, MedGen C1860339, MONDO:0008671, OMIM 193510.
Melanoma, cutaneous malignant, susceptibility to, 8. Also called: Cutaneous malignant melanoma 8; MELANOMA AND RENAL CELL CARCINOMA, SUSCEPTIBILITY TO. Identifiers: Orphanet 293822, MedGen C3152204, MONDO:0013759, OMIM 614456.
Tietz syndrome (TADS). Also called: HYPOPIGMENTATION/DEAFNESS OF TIETZ; TIETZ ALBINISM-DEAFNESS SYNDROME; ALBINISM-DEAFNESS OF TIETZ. Identifiers: Orphanet 42665, MedGen C0391816, MONDO:0007077, OMIM 103500.

Submissions (2):

Institute of Rare Diseases, West China Hospital, Sichuan University
Classification: Pathogenic for Waardenburg syndrome type 2A. Last evaluated: 2025-01-09. Review status: criteria provided, single submitter. Criteria: ClinGen HL ACMG Specifications v1. Collection method: research. Allele origin: germline. Affected: yes.
Comment: PM1;PVS1;PM2_Supporting

Labcorp Genetics (formerly Invitae), Labcorp
Classification: Pathogenic for Melanoma, cutaneous malignant, susceptibility to, 8; Waardenburg syndrome type 2A; Tietz syndrome. Last evaluated: 2024-09-11. Review status: criteria provided, single submitter. Criteria: Invitae Variant Classification Sherloc (09022015). Collection method: clinical testing. Allele origin: germline.
Comment: This sequence change creates a premature translational stop signal (p.Asp118Metfs*2) in the MITF gene. It is expected to result in an absent or disrupted protein product. Loss-of-function variants in MITF are known to be pathogenic (PMID: 8659547, 20127975). This variant is not present in population databases (gnomAD no frequency). This variant has not been reported in the literature in individuals affected with MITF-related conditions. For these reasons, this variant has been classified as Pathogenic.

Literature cited by the submitters: PubMed 8659547 (cited by Labcorp Genetics (formerly Invitae), Labcorp); PubMed 20127975 (cited by Labcorp Genetics (formerly Invitae), Labcorp).

NM_001354604.2(MITF):c.673del (p.Asp225fs)

Gene: MITF (melanocyte inducing transcription factor; plus strand). Cytogenetic location: 3p13.
Variant type: Deletion.
Coding change: c.673del on transcript NM_001354604.2 (MANE Select); coding-DNA position 673, one base deleted (G; older notation c.673delG).
Protein change: p.Asp225fs; shifts the reading frame from aspartic acid 225.
Molecular consequence: frameshift variant.
Genome position (GRCh38, 1-based): chr3:69,941,242, G deleted. VCF-style (leftmost placement, unchanged base first): chr3-69941241-TG-T. GRCh37 (hg19) VCF-style: chr3-69990392-TG-T.
Other names: c.352del, p.Asp118fs (NM_000248.4, NM_198158.3); c.517del, p.Asp173fs (NM_001184967.2, NM_001354608.2); c.670del, p.Asp224fs (NM_001354605.2, NM_001354606.2, NM_006722.3); c.622del, p.Asp208fs (NM_001354607.2); c.673del, p.Asp225fs (NM_198159.3); c.625del, p.Asp209fs (NM_198177.3); c.184del, p.Asp62fs (NM_198178.3); short protein forms D118fs, D173fs, D208fs, D209fs, D224fs, D225fs, D62fs.
Identifiers: ClinVar variation 3601242 (VCV003601242.3).